The following is an entry in ClinVar:

ClinVar aggregate classification (germline): Likely benign. Review status: criteria provided, single submitter (1 of 4 stars). 2 submissions from 2 submitters: Likely benign (1). 1 of the submissions does not count toward it. Last evaluated 2025-08-09.

Conditions:
RDX-related disorder. Also called: RDX-related condition.

Allele frequency attached by ClinVar (database versions not stated): gnomAD exomes 0.00002; ExAC 0.00003; 1000 Genomes Project 0.00020; TOPMed 0.00004; gnomAD 0.00005; 1000 Genomes Project 30x 0.00016.
gnomAD v4.1: 45 of 1,613,676 alleles (0.0028%); highest among the groups gnomAD compares: African/African-American, 0.035%; no homozygotes.

Submissions (2):

Labcorp Genetics (formerly Invitae), Labcorp
Classification: Likely benign. Last evaluated: 2025-08-09. Review status: criteria provided, single submitter. Criteria: Invitae Variant Classification Sherloc (09022015). Collection method: clinical testing. Allele origin: germline.

PreventionGenetics, part of Exact Sciences
Classification: Likely benign for RDX-related condition. Last evaluated: 2019-05-23. Review status: no assertion criteria provided. Collection method: clinical testing. Allele origin: germline. Not counted in ClinVar's aggregate classification.
Comment: This variant is classified as likely benign based on ACMG/AMP sequence variant interpretation guidelines (Richards et al. 2015 PMID: 25741868, with internal and published modifications).

NM_002906.4(RDX):c.846C>T (p.Ala282=)

Gene: RDX (radixin; minus strand). Cytogenetic location: 11q22.3.
Variant type: single nucleotide variant.
Coding change: c.846C>T on transcript NM_002906.4 (MANE Select); coding-DNA position 846, C replaced by T.
Protein change: p.Ala282=; no amino-acid change (alanine 282 retained).
Molecular consequence: synonymous variant. On other transcripts: intron variant (2).
Genome position (GRCh38, 1-based): chr11:110,254,059, G>A on the plus strand (C>T on the coding strand, the complement: RDX is on the minus strand). VCF-style: chr11-110254059-G-A. GRCh37 (hg19) VCF-style: chr11-110124784-G-A.
Other names: c.846C>T, p.Ala282= (NM_001260492.2, NM_001260493.2); c.438C>T, p.Ala146= (NM_001260494.2); c.-82-6226C>T (NM_001260495.2); c.404+4098C>T (NM_001260496.2).
Identifiers: ClinVar variation 3044989 (VCV003044989.3), dbSNP rs368983071, ClinGen allele CA6270191.
Genomic context (GRCh38, chr11:110,254,059, plus strand): 5'-TACTTCAATAGTATCAGGCTTCCTTCTTCGCATGTATAGTTCATGGTTTCCCATACATAA[G>A]GCCAAAATCCGCTTATTGATTCTCAGACGAGGTGCATAAAACACAAAATCCTAAACATAA-3'
Protein context (NP_002897.1, residues 272-292): PRLRINKRIL[Ala282=]LCMGNHELYM